The following is an entry in ClinVar:

NM_001378609.3(OTOGL):c.6355C>T (p.Gln2119Ter)

Gene: OTOGL (otogelin like; plus strand). Cytogenetic location: 12q21.31.
Variant type: single nucleotide variant.
Coding change: c.6355C>T on transcript NM_001378609.3 (MANE Select); coding-DNA position 6355, C replaced by T.
Protein change: p.Gln2119Ter; replaces glutamine 2119 with a stop codon.
Molecular consequence: nonsense.
Genome position (GRCh38, 1-based): chr12:80,367,584, C>T. VCF-style: chr12-80367584-C-T. GRCh37 (hg19) VCF-style: chr12-80761364-C-T.
Other names: c.6220C>T, p.Gln2074Ter (NM_001368062.3); c.6355C>T, p.Gln2119Ter (NM_001378610.3, NM_173591.7); short protein forms Q2074*, Q2119*.
Identifiers: ClinVar variation 1526105 (VCV001526105.1), dbSNP rs1343148883, ClinGen allele CA385889224.
Genomic context (GRCh38, chr12:80,367,584, plus strand): 5'-AGTATATTTTCTTATTGACTATGTTTTCTGTTCTTAGAAAAGGATGATGTGTGTGTATTT[C>T]AAGAAGTATCAGTATTGAATCCTGGACAATCCATGATAAAGTATTTGGAAGAAGACTTTT-3'

ClinVar aggregate classification (germline): Pathogenic (1 of 4 stars; one submission).

Conditions:
Autosomal recessive nonsyndromic hearing loss 84B. Also called: Deafness, autosomal recessive 84b. Identifiers: Orphanet 90636, MedGen C3554159, MONDO:0013984, OMIM 614944.

Allele frequency attached by ClinVar (database versions not stated): gnomAD exomes below 0.00001.
gnomAD v4.1: 1 of 1,537,786 alleles (0.000065%); highest among the groups gnomAD compares: East Asian, 0.0024%; no homozygotes.

Submission:

3billion
Classification: Pathogenic for Autosomal recessive nonsyndromic hearing loss 84B. Last evaluated: 2022-03-22. Review status: criteria provided, single submitter. Criteria: ACMG Guidelines, 2015. Collection method: clinical testing. Allele origin: germline. Affected: yes. Observed: 1 heterozygote.
Comment: Stop-gained (nonsense): predicted to result in a loss or disruption of normal protein function through nonsense-mediated decay (NMD) or protein truncation. Multiple pathogenic variants are reported downstream of the variant.It is not observed in the gnomAD v2.1.1 dataset. This variant has been reported to be associated with OTOGL related disorder (PMID:25719458). Therefore, this variant is classified as pathogenic according to the recommendation of ACMG/AMP guideline.

Literature cited by the submitters: PubMed 25719458.